The following is an entry in ClinVar:

NM_000215.4(JAK3):c.1970G>A (p.Arg657Gln)

Gene: JAK3 (Janus kinase 3; minus strand). Cytogenetic location: 19p13.11.
Variant type: single nucleotide variant.
Coding change: c.1970G>A on transcript NM_000215.4 (MANE Select); coding-DNA position 1970, G replaced by A.
Protein change: p.Arg657Gln; replaces arginine 657 with glutamine.
Molecular consequence: missense variant.
Genome position (GRCh38, 1-based): chr19:17,835,160, C>T on the plus strand (G>A on the coding strand, the complement: JAK3 is on the minus strand). VCF-style: chr19-17835160-C-T. GRCh37 (hg19) VCF-style: chr19-17945969-C-T.
Other names: short protein forms R657Q.
Identifiers: ClinVar variation 376113 (VCV000376113.3), dbSNP rs758959409, ClinGen allele CA16602572.

ClinVar aggregate classification (germline): Uncertain significance (1 of 4 stars; one submission).

Conditions:
T-B+ severe combined immunodeficiency due to JAK3 deficiency. Also called: SCID, T CELL-NEGATIVE, B CELL-POSITIVE, NK CELL-NEGATIVE; SCID, autosomal recessive, T-negative/B-positive type. Identifiers: Orphanet 35078, MedGen C1833275, MONDO:0010938, OMIM 600802.

gnomAD v4.1: 3 of 1,614,228 alleles (0.00019%); highest among the groups gnomAD compares: Non-Finnish European, 0.00025%; no homozygotes.

Submission:

Labcorp Genetics (formerly Invitae), Labcorp
Classification: Uncertain significance for T-B+ severe combined immunodeficiency due to JAK3 deficiency. Last evaluated: 2022-08-23. Review status: criteria provided, single submitter. Criteria: Invitae Variant Classification Sherloc (09022015). Collection method: clinical testing. Allele origin: germline.
Comment: This sequence change replaces arginine, which is basic and polar, with glutamine, which is neutral and polar, at codon 657 of the JAK3 protein (p.Arg657Gln). This variant is not present in population databases (gnomAD no frequency). This variant has not been reported in the literature in individuals affected with JAK3-related conditions. ClinVar contains an entry for this variant (Variation ID: 376113). Algorithms developed to predict the effect of missense changes on protein structure and function are either unavailable or do not agree on the potential impact of this missense change (SIFT: "Deleterious"; PolyPhen-2: "Probably Damaging"; Align-GVGD: "Class C0"). In summary, the available evidence is currently insufficient to determine the role of this variant in disease. Therefore, it has been classified as a Variant of Uncertain Significance.